The following is an entry in ClinVar:

ClinVar aggregate classification (germline): Uncertain significance. Review status: criteria provided, multiple submitters, no conflicts (2 of 4 stars). 3 submissions from 3 submitters: Uncertain significance (3). Last evaluated 2024-03-28.

Conditions:
Familial cancer of breast. Also called: BREAST CANCER, FAMILIAL; Hereditary breast cancer; hereditary breast carcinoma. Identifiers: Orphanet 227535, MedGen C0346153, MONDO:0016419, OMIM 114480. Disease mechanism: loss of function.
Hereditary cancer-predisposing syndrome. Also called: Neoplastic Syndromes, Hereditary; Tumor predisposition; Hereditary Cancer Syndrome; Hereditary neoplastic syndrome. Identifiers: Orphanet 140162, MedGen C0027672, MeSH D009386, MONDO:0015356.
Hereditary breast ovarian cancer syndrome. Also called: Hereditary breast and ovarian cancer syndrome; BRCA1- and BRCA2-Associated Hereditary Breast and Ovarian Cancer; Hereditary breast and ovarian cancer; Hereditary breast and ovarian cancer syndrome (HBOC); Breast and ovarian cancer; Hereditary breast and/or ovarian cancer syndrome. Identifiers: Orphanet 145, MedGen C0677776, MeSH D061325, MONDO:0003582. Disease mechanism: loss of function.

Allele frequency attached by ClinVar (database versions not stated): gnomAD exomes below 0.00001.
gnomAD v4.1: 1 of 1,595,966 alleles (0.000063%); highest among the groups gnomAD compares: East Asian, 0.0022%; no homozygotes.

Submissions (3):

Labcorp Genetics (formerly Invitae), Labcorp
Classification: Uncertain significance for Hereditary breast ovarian cancer syndrome. Last evaluated: 2024-03-28. Review status: criteria provided, single submitter. Criteria: Invitae Variant Classification Sherloc (09022015). Collection method: clinical testing. Allele origin: germline.
Comment: This sequence change falls in intron 7 of the BRCA1 gene. It does not directly change the encoded amino acid sequence of the BRCA1 protein. It affects a nucleotide within the consensus splice site. This variant is present in population databases (no rsID available, gnomAD 0.006%). This variant has not been reported in the literature in individuals affected with BRCA1-related conditions. ClinVar contains an entry for this variant (Variation ID: 924228). Variants that disrupt the consensus splice site are a relatively common cause of aberrant splicing (PMID: 17576681, 9536098). Studies have shown that this variant does not affect mRNA splicing (PMID: 21673748). In summary, the available evidence is currently insufficient to determine the role of this variant in disease. Therefore, it has been classified as a Variant of Uncertain Significance.

MGZ Medical Genetics Center
Classification: Uncertain significance for Familial cancer of breast. Last evaluated: 2024-02-09. Review status: criteria provided, single submitter. Criteria: CSpec BRCA1/2ACMG Rules Specifications V1.1.0. Collection method: clinical testing. Allele origin: germline. Affected: yes.
Comment: ACMG codes applied following ENIGMA VCEP rules: BP4, PM2_SUP

Color Diagnostics, LLC DBA Color Health
Classification: Uncertain significance for Hereditary cancer-predisposing syndrome. Last evaluated: 2019-11-06. Review status: criteria provided, single submitter. Criteria: ACMG Guidelines, 2015. Collection method: clinical testing. Allele origin: germline.
Comment: This variant causes a G>A nucleotide substitution at the +6 position of intron 7 of the BRCA1 gene. To our knowledge, functional studies have not been performed for this variant. This variant has not been reported in individuals affected with hereditary cancer in the literature. This variant has been identified in 1/251442 chromosomes in the general population by the Genome Aggregation Database (gnomAD). The available evidence is insufficient to determine the role of this variant in disease conclusively. Therefore, this variant is classified as a Variant of Uncertain Significance.

Literature cited by the submitters: PubMed 17576681 (cited by Labcorp Genetics (formerly Invitae), Labcorp); PubMed 9536098 (cited by Labcorp Genetics (formerly Invitae), Labcorp); PubMed 21673748 (cited by Labcorp Genetics (formerly Invitae), Labcorp).

NM_007294.4(BRCA1):c.547+6G>A

Gene: BRCA1 (BRCA1 DNA repair associated; minus strand). Cytogenetic location: 17q21.31.
Variant type: single nucleotide variant.
Coding change: c.547+6G>A on transcript NM_007294.4 (MANE Select); 6 bases into the intron after coding-DNA position 547, G replaced by A.
Molecular consequence: intron variant.
Genome position (GRCh38, 1-based): chr17:43,099,769, C>T on the plus strand (G>A on the coding strand, the complement: BRCA1 is on the minus strand). VCF-style: chr17-43099769-C-T. GRCh37 (hg19) VCF-style: chr17-41251786-C-T.
Other names: c.163+6G>A (NM_001407962.1); c.403+6G>A (NM_001408470.1, NM_001407848.1, NM_001407839.1 and 35 more transcripts); c.166+6G>A (NM_001408512.1, NM_001408510.1, NM_001407963.1 and 3 more transcripts); c.337+6G>A (NM_001407885.1, NM_001407886.1, NM_001407881.1 and 37 more transcripts); c.406+6G>A (NM_001407922.1, NM_001408469.1, NM_001408453.1 and 61 more transcripts); c.544+6G>A (NM_001407686.1, NM_001408397.1, NM_001407632.1 and 65 more transcripts); c.547+6G>A (NM_001408436.1, NM_001407665.1, NM_001407980.1 and 96 more transcripts); c.412+6G>A (NM_001408451.1); and 5 more.
Identifiers: ClinVar variation 924228 (VCV000924228.12), dbSNP rs1400635407, ClinGen allele CA626078816.
Genomic context (GRCh38, chr17:43,099,769, plus strand): 5'-GGCAAAACTATAAGATAAGGAATCCAGCAATTATTATTAAATACTTAAAAAACCTGAGAC[C>T]CTTACCCAATTCAATGTAGACAGACGTCTTTTGAGGTTGTATCCGCTGCTTTGTCCTCAG-3'